The following is an entry in ClinVar:

NM_014846.4(WASHC5):c.1187A>G (p.Lys396Arg)

Gene: WASHC5 (WASH complex subunit 5; minus strand). Cytogenetic location: 8q24.13.
Variant type: single nucleotide variant.
Coding change: c.1187A>G on transcript NM_014846.4 (MANE Select); coding-DNA position 1187, A replaced by G.
Protein change: p.Lys396Arg; replaces lysine 396 with arginine.
Molecular consequence: missense variant.
Genome position (GRCh38, 1-based): chr8:125,067,683, T>C on the plus strand (A>G on the coding strand, the complement: WASHC5 is on the minus strand). VCF-style: chr8-125067683-T-C. GRCh37 (hg19) VCF-style: chr8-126079925-T-C.
Other names: c.743A>G, p.Lys248Arg (NM_001330609.2); short protein forms K396R, K248R.
Identifiers: ClinVar variation 361726 (VCV000361726.17), dbSNP rs142423043, ClinGen allele CA4873898.

ClinVar aggregate classification (germline): Benign. Review status: criteria provided, multiple submitters, no conflicts (2 of 4 stars). 3 submissions from 3 submitters: Benign (3). Last evaluated 2026-01-05.

Conditions:
Hereditary spastic paraplegia 8 (SPG8). Also called: SPASTIC PARAPLEGIA 8, AUTOSOMAL DOMINANT. Identifiers: Orphanet 100989, MedGen C1863704, MONDO:0011339, OMIM 603563.
Ritscher-Schinzel syndrome. Also called: CRANIOCEREBELLOCARDIAC DYSPLASIA. Identifiers: Orphanet 7, MedGen C0796137, MONDO:0019078.

Allele frequency attached by ClinVar (database versions not stated): gnomAD exomes 0.00040 and 0.00076; ESP Exome Variant Server 0.00046; ExAC 0.00047; gnomAD 0.00079 and 0.00086; TOPMed 0.00105; 1000 Genomes Project 0.00060; 1000 Genomes Project 30x 0.00062.
gnomAD v4.1: 719 of 1,613,976 alleles (0.045%); highest among the groups gnomAD compares: Admixed American, 0.41%; 3 homozygotes.

Submissions (3):

Labcorp Genetics (formerly Invitae), Labcorp
Classification: Benign for Ritscher-Schinzel syndrome; Hereditary spastic paraplegia 8. Last evaluated: 2026-01-05. Review status: criteria provided, single submitter. Criteria: Invitae Variant Classification Sherloc (09022015). Collection method: clinical testing. Allele origin: germline.

Athena Diagnostics
Classification: Benign. Last evaluated: 2024-06-25. Review status: criteria provided, single submitter. Criteria: Athena Diagnostics Criteria. Collection method: clinical testing. Allele origin: unknown.

Illumina Laboratory Services, Illumina
Classification: Benign for Hereditary spastic paraplegia 8. Last evaluated: 2018-01-12. Review status: criteria provided, single submitter. Criteria: ICSL Variant Classification Criteria 13 December 2019. Collection method: clinical testing. Allele origin: germline.
Comment: This variant was observed in the ICSL laboratory as part of a predisposition screen in an ostensibly healthy population. It had not been previously curated by ICSL or reported in the Human Gene Mutation Database (HGMD: prior to June 1st, 2018), and was therefore a candidate for classification through an automated scoring system. Utilizing variant allele frequency, disease prevalence and penetrance estimates, and inheritance mode, an automated score was calculated to assess if this variant is too frequent to cause the disease. Based on the score and internal cut-off values, a variant classified as benign is not then subjected to further curation. The score for this variant resulted in a classification of benign for this disease.